The following is an entry in ClinVar:

ClinVar aggregate classification (germline): Conflicting classifications of pathogenicity. Review status: criteria provided, conflicting classifications (1 of 4 stars). 6 submissions from 6 submitters: Likely pathogenic (1); Uncertain significance (2). 3 of the submissions do not count toward it. Last evaluated 2026-02-09.

Conditions:
Polyglandular autoimmune syndrome, type 1 (APS1). Also called: Autoimmune polyendocrine syndrome type 1; Autoimmune polyendocrinopathy syndrome , type I, with or without reversible metaphyseal dysplasia; HYPOADRENOCORTICISM WITH HYPOPARATHYROIDISM AND SUPERFICIAL MONILIASIS; PGA I; AUTOIMMUNE POLYENDOCRINE SYNDROME, TYPE I, WITH OR WITHOUT REVERSIBLE METAPHYSEAL DYSPLASIA; APS I. Identifiers: Orphanet 3453, MedGen C0085859, MONDO:0009411, OMIM 240300.
AIRE-related disorder. Also called: AIRE-related condition.
Retinal disorder. Also called: Retinal disorders; Retinopathies; Retinal Diseases; Retinopathy. Identifiers: MedGen C0035309, MONDO:0005283, HP:0000488.

Allele frequency attached by ClinVar (database versions not stated): gnomAD 0.00001; gnomAD exomes 0.00001.
gnomAD v4.1: 21 of 1,534,766 alleles (0.0014%); highest among the groups gnomAD compares: Non-Finnish European, 0.0018%; no homozygotes.

Submissions (6):

Genetics Laboratory, Great Ormond Street Hospital NHS Foundation Trust, North Thames Genomic Laboratory Hub
Classification: Uncertain significance for Retinal disorders. Last evaluated: 2026-02-09. Review status: criteria provided, single submitter. Criteria: ACGS Best Practice Guidelines for Variant Classification in Rare Disease 2024 v1.2. Collection method: clinical testing. Allele origin: germline. Affected: yes.
Comment: PP3_supporting, PM3_supporting

Labcorp Genetics (formerly Invitae), Labcorp
Classification: Likely pathogenic for Polyglandular autoimmune syndrome, type 1. Last evaluated: 2025-12-03. Review status: criteria provided, single submitter. Criteria: Invitae Variant Classification Sherloc (09022015). Collection method: clinical testing. Allele origin: germline.
Comment: This sequence change replaces arginine, which is basic and polar, with cysteine, which is neutral and slightly polar, at codon 8 of the AIRE protein (p.Arg8Cys). The frequency data for this variant in the population databases is considered unreliable, as metrics indicate poor data quality at this position in the gnomAD database. This missense change has been observed in individuals with autosomal recessive autoimmune polyendocrinopathy syndrome (PMID: 17118990, 27253668). ClinVar contains an entry for this variant (Variation ID: 552873). Invitae Evidence Modeling of protein sequence and biophysical properties (such as structural, functional, and spatial information, amino acid conservation, physicochemical variation, residue mobility, and thermodynamic stability) indicates that this missense variant is expected to disrupt AIRE protein function with a positive predictive value of 95%. In summary, the currently available evidence indicates that the variant is pathogenic, but additional data are needed to prove that conclusively. Therefore, this variant has been classified as Likely Pathogenic.

Athena Diagnostics
Classification: Uncertain significance. Last evaluated: 2018-08-03. Review status: criteria provided, single submitter. Criteria: Athena Diagnostics Criteria. Collection method: clinical testing. Allele origin: germline.

PreventionGenetics, part of Exact Sciences
Classification: Uncertain significance for AIRE-related condition. Last evaluated: 2024-05-22. Review status: no assertion criteria provided. Collection method: clinical testing. Allele origin: germline. Not counted in ClinVar's aggregate classification.
Comment: The AIRE c.22C>T variant is predicted to result in the amino acid substitution p.Arg8Cys. This variant has been reported in multiple individuals with autosomal recessive autoimmune polyendocrine syndrome (Table 3, Wolff et al. 2007. PubMed ID: 17118990; Bruserud et al. 2016. PubMed ID: 27253668). This variant is reported in 0.0020% of alleles in individuals of European (non-Finnish) descent in gnomAD. Although we suspect that this variant may be pathogenic, at this time, the clinical significance of this variant is uncertain due to the absence of conclusive functional and genetic evidence.

Counsyl
Classification: Uncertain significance for Polyglandular autoimmune syndrome, type 1. Last evaluated: 2017-07-18. Review status: no assertion criteria provided. Collection method: clinical testing. Allele origin: unknown. Not counted in ClinVar's aggregate classification.

Genomics England Pilot Project, Genomics England
Classification: Pathogenic for Polyglandular autoimmune syndrome, type 1. Review status: no assertion criteria provided. Criteria: ACGS Guidelines, 2016. Collection method: clinical testing. Allele origin: germline. Affected: yes. Not counted in ClinVar's aggregate classification.

Literature cited by the submitters: PubMed 17118990 (cited by Labcorp Genetics (formerly Invitae), Labcorp and Athena Diagnostics); PubMed 27253668 (cited by Labcorp Genetics (formerly Invitae), Labcorp and Counsyl).

NM_000383.4(AIRE):c.22C>T (p.Arg8Cys)

Gene: AIRE (autoimmune regulator; plus strand). Cytogenetic location: 21q22.3.
Variant type: single nucleotide variant.
Coding change: c.22C>T on transcript NM_000383.4 (MANE Select); coding-DNA position 22, C replaced by T.
Protein change: p.Arg8Cys; replaces arginine 8 with cysteine.
Molecular consequence: missense variant.
Genome position (GRCh38, 1-based): chr21:44,286,028, C>T. VCF-style: chr21-44286028-C-T. GRCh37 (hg19) VCF-style: chr21-45705911-C-T.
Other names: c.22C>T (LRG_18t1); short protein forms R8C.
Identifiers: ClinVar variation 552873 (VCV000552873.10), dbSNP rs1231469574, ClinGen allele CA410422952.